The following is an entry in ClinVar:

ClinVar aggregate classification (germline): Uncertain significance. Review status: criteria provided, multiple submitters, no conflicts (2 of 4 stars). 2 submissions from 2 submitters: Uncertain significance (2). Last evaluated 2026-06-25.

Conditions:
Dilated cardiomyopathy 1DD (CMD1DD). Identifiers: Orphanet 154, MedGen C2750995, MONDO:0013168, OMIM 613172.
Cardiovascular phenotype. Identifiers: MedGen CN230736.

Allele frequency attached by ClinVar (database versions not stated): gnomAD exomes below 0.00001.
gnomAD v4.1: 5 of 1,230,470 alleles (0.00041%); highest among the groups gnomAD compares: Non-Finnish European, 0.00058%; no homozygotes.

Submissions (2):

Ambry Genetics
Classification: Uncertain significance for Cardiovascular phenotype. Last evaluated: 2026-06-25. Review status: criteria provided, single submitter. Criteria: Ambry Variant Classification Scheme 2023. Collection method: clinical testing. Allele origin: germline.
Comment: The p.E1223D variant (also known as c.3669A>T), located in coding exon 14 of the RBM20 gene, results from an A to T substitution at nucleotide position 3669. The glutamic acid at codon 1223 is replaced by aspartic acid, an amino acid with highly similar properties. This variant was reported in individual(s) with features consistent with dilated cardiomyopathy (DCM) (Mazzarotto F et al. Circulation, 2020 Feb;141:387-398). This amino acid position is well conserved in available vertebrate species. In addition, this alteration is predicted to be tolerated by in silico analysis. Based on the available evidence, the clinical significance of this variant remains unclear.

Labcorp Genetics (formerly Invitae), Labcorp
Classification: Uncertain significance for Dilated cardiomyopathy 1DD. Last evaluated: 2025-08-04. Review status: criteria provided, single submitter. Criteria: Invitae Variant Classification Sherloc (09022015). Collection method: clinical testing. Allele origin: germline.
Comment: This sequence change replaces glutamic acid, which is acidic and polar, with aspartic acid, which is acidic and polar, at codon 1223 of the RBM20 protein (p.Glu1223Asp). This variant is not present in population databases (gnomAD no frequency). This missense change has been observed in individual(s) with dilated cardiomyopathy (PMID: 37652022). ClinVar contains an entry for this variant (Variation ID: 1056132). Invitae Evidence Modeling of protein sequence and biophysical properties (such as structural, functional, and spatial information, amino acid conservation, physicochemical variation, residue mobility, and thermodynamic stability) indicates that this missense variant is not expected to disrupt RBM20 protein function with a negative predictive value of 95%. In summary, the available evidence is currently insufficient to determine the role of this variant in disease. Therefore, it has been classified as a Variant of Uncertain Significance.

Literature cited by the submitters: PubMed 31983221 (cited by Ambry Genetics); PubMed 37652022 (cited by Labcorp Genetics (formerly Invitae), Labcorp).

NM_001134363.3(RBM20):c.3669A>T (p.Glu1223Asp)

Gene: RBM20 (RNA binding motif protein 20; plus strand). Cytogenetic location: 10q25.2.
Variant type: single nucleotide variant.
Coding change: c.3669A>T on transcript NM_001134363.3 (MANE Select); coding-DNA position 3669, A replaced by T.
Protein change: p.Glu1223Asp; replaces glutamic acid 1223 with aspartic acid.
Molecular consequence: missense variant.
Genome position (GRCh38, 1-based): chr10:110,835,963, A>T. VCF-style: chr10-110835963-A-T. GRCh37 (hg19) VCF-style: chr10-112595721-A-T.
Other names: c.3669A>T (NM_001134363.1); short protein forms E1223D.
Identifiers: ClinVar variation 1056132 (VCV001056132.8), dbSNP rs1290645091, ClinGen allele CA378388315.
Genomic context (GRCh38, chr10:110,835,963, plus strand): 5'-GGAGACCGAGGGGGCAGATAGCCCGAGGCCAGAGGACAGCGGAATCGTGCCACGCTTCGA[A>T]AGGAAAAAGCTCTGATGCTTCTGCTTCTGCTGCTACTGCTGCTGCTGCAAGGTTGGAAAG-3'
Protein context (NP_001127835.2, residues 1213-1227): PEDSGIVPRF[Glu1223Asp]RKKL